The following is an entry in ClinVar:

NM_000465.4(BARD1):c.989G>T (p.Ser330Ile)

Gene: BARD1 (BRCA1 associated RING domain 1; minus strand). Cytogenetic location: 2q35.
Variant type: single nucleotide variant.
Coding change: c.989G>T on transcript NM_000465.4 (MANE Select); coding-DNA position 989, G replaced by T.
Protein change: p.Ser330Ile; replaces serine 330 with isoleucine.
Molecular consequence: missense variant. On other transcripts: non-coding transcript variant (2), intron variant (3).
Genome position (GRCh38, 1-based): chr2:214,780,885, C>A on the plus strand (G>T on the coding strand, the complement: BARD1 is on the minus strand). VCF-style: chr2-214780885-C-A. GRCh37 (hg19) VCF-style: chr2-215645609-C-A.
Other names: c.932G>T, p.Ser311Ile (NM_001282543.2); c.159-28330G>T (NM_001282548.2); c.215+16176G>T (NM_001282545.2); c.364+11412G>T (NM_001282549.2); short protein forms S311I, S330I.
Identifiers: ClinVar variation 920007 (VCV000920007.4), dbSNP rs1574818102, ClinGen allele CA350454486.

ClinVar aggregate classification (germline): Uncertain significance (1 of 4 stars; one submission).

Conditions:
Hereditary cancer-predisposing syndrome. Also called: Neoplastic Syndromes, Hereditary; Tumor predisposition; Hereditary Cancer Syndrome; Hereditary neoplastic syndrome. Identifiers: Orphanet 140162, MedGen C0027672, MeSH D009386, MONDO:0015356.

gnomAD v4.1: 1 of 1,614,080 alleles (0.000062%); highest among the groups gnomAD compares: South Asian, 0.0011%; no homozygotes.

Submission:

Color Diagnostics, LLC DBA Color Health
Classification: Uncertain significance for Hereditary cancer-predisposing syndrome. Last evaluated: 2024-03-06. Review status: criteria provided, single submitter. Criteria: ACMG Guidelines, 2015. Collection method: clinical testing. Allele origin: germline.
Comment: This missense variant replaces serine with isoleucine at codon 330 of the BARD1 protein. Computational prediction suggests that this variant may not impact protein structure and function (internally defined REVEL score threshold <= 0.5, PMID: 27666373). Splice site prediction tools suggest that this variant may not impact RNA splicing. To our knowledge, functional studies have not been performed for this variant. This variant has not been reported in individuals affected with hereditary cancer in the literature. This variant has not been identified in the general population by the Genome Aggregation Database (gnomAD). The available evidence is insufficient to determine the role of this variant in disease conclusively. Therefore, this variant is classified as a Variant of Uncertain Significance.